The following is an entry in ClinVar:

NM_170682.4(P2RX2):c.906-13G>A

Gene: P2RX2 (purinergic receptor P2X 2; plus strand). Cytogenetic location: 12q24.33.
Variant type: single nucleotide variant.
Coding change: c.906-13G>A on transcript NM_170682.4 (MANE Select); 13 bases into the intron before coding-DNA position 906, G replaced by A.
Molecular consequence: intron variant.
Genome position (GRCh38, 1-based): chr12:132,621,242, G>A. VCF-style: chr12-132621242-G-A. GRCh37 (hg19) VCF-style: chr12-133197828-G-A.
Other names: c.906-13G>A (NM_001282165.2, NM_170683.4, NM_174873.3); c.834-13G>A (NM_016318.4); c.804-13G>A (NM_001282164.2); c.690-13G>A (NM_012226.5); c.630-13G>A (NM_174872.3).
Identifiers: ClinVar variation 505001 (VCV000505001.5), dbSNP rs757748091, ClinGen allele CA6891723.
Genomic context (GRCh38, chr12:132,621,242, plus strand): 5'-CCCGAGAGGCCCAATGCCTGTGGGGCAGCCCTGGAGTGCAGAGGACGAGTGGGCACTGGC[G>A]TTCCCATTGCAGGTTTGCCAAATACTACAAGATCAATGGCACCACCACCCGCACGCTCAT-3'

ClinVar aggregate classification (germline): Uncertain significance (1 of 4 stars; one submission).

Allele frequency attached by ClinVar (database versions not stated): gnomAD 0.00006 and 0.00002; ExAC 0.00002; gnomAD exomes 0.00001; TOPMed 0.00003 and 0.00002.
gnomAD v4.1: 13 of 1,613,828 alleles (0.00081%); highest among the groups gnomAD compares: East Asian, 0.0067%; no homozygotes.

Submission:

Laboratory for Molecular Medicine, Mass General Brigham Personalized Medicine
Classification: Uncertain significance. Last evaluated: 2016-05-02. Review status: criteria provided, single submitter. Criteria: LMM Criteria. Collection method: clinical testing. Allele origin: germline. Observed: 1 variant allele.
Comment: Variant classified as Uncertain Significance - Favor Benign. The c.906-13G>A var iant in P2RX2 has not been previously reported in individuals with hearing loss, but has been identified in 2/8652 of East Asian chromosomes by the Exome Aggreg ation Consortium (ExAC; dbSNP rs757748091). Alth ough this variant has been seen in the general population, its frequency is not high enough to rule out a pathogenic role. This variant is located in the 3' spl ice region. Computational tools do not suggest an impact to splicing. However, t his information is not predictive enough to rule out pathogenicity. In summary, while the clinical significance of the c.906-13G>A variant is uncertain, these d ata suggest that it is more likely to be benign.